The following is an entry in ClinVar:

NM_000545.8(HNF1A):c.252del (p.Ile85fs)

Gene: HNF1A (HNF1 homeobox A; plus strand). Cytogenetic location: 12q24.31.
Variant type: Deletion.
Coding change: c.252del on transcript NM_000545.8 (MANE Select); coding-DNA position 252, one base deleted (C; older notation c.252delC).
Protein change: p.Ile85fs; shifts the reading frame from isoleucine 85.
Molecular consequence: frameshift variant.
Genome position (GRCh38, 1-based): chr12:120,979,020, C deleted; the last of 3 consecutive C bases (chr12:120,979,018-120,979,020); deleting any one gives the same sequence. VCF-style (leftmost placement, unchanged base first): chr12-120979017-AC-A. GRCh37 (hg19) VCF-style: chr12-121416820-AC-A.
Other names: c.252del, p.Ile85fs (NM_001306179.2, NM_001406915.1); short protein forms I85fs.
Identifiers: ClinVar variation 3658364 (VCV003658364.2).

ClinVar aggregate classification (germline): Pathogenic (1 of 4 stars; one submission).

Submission:

Labcorp Genetics (formerly Invitae), Labcorp
Classification: Pathogenic. Last evaluated: 2024-06-30. Review status: criteria provided, single submitter. Criteria: Invitae Variant Classification Sherloc (09022015). Collection method: clinical testing. Allele origin: germline.
Comment: This sequence change creates a premature translational stop signal (p.Ile85Serfs*70) in the HNF1A gene. It is expected to result in an absent or disrupted protein product. Loss-of-function variants in HNF1A are known to be pathogenic (PMID: 15928245, 18003757). This variant is not present in population databases (gnomAD no frequency). This variant has not been reported in the literature in individuals affected with HNF1A-related conditions. For these reasons, this variant has been classified as Pathogenic.

Literature cited by the submitters: PubMed 15928245; PubMed 18003757.